The following is an entry in ClinVar:

ClinVar aggregate classification (germline): Uncertain significance (1 of 4 stars; one submission).

gnomAD v4.1: 6 of 1,613,962 alleles (0.00037%); highest among the groups gnomAD compares: Admixed American, 0.01%; no homozygotes.

Submission:

GeneDx
Classification: Uncertain significance. Last evaluated: 2024-06-05. Review status: criteria provided, single submitter. Criteria: GeneDx Variant Classification Process June 2021. Collection method: clinical testing. Allele origin: germline. Affected: yes.
Comment: In silico analysis indicates that this missense variant does not alter protein structure/function; Has not been previously published as pathogenic or benign to our knowledge

NM_001797.4(CDH11):c.1861A>G (p.Ile621Val)

Gene: CDH11 (cadherin 11; minus strand). Cytogenetic location: 16q21.
Variant type: single nucleotide variant.
Coding change: c.1861A>G on transcript NM_001797.4 (MANE Select); coding-DNA position 1861, A replaced by G.
Protein change: p.Ile621Val; replaces isoleucine 621 with valine.
Molecular consequence: missense variant.
Genome position (GRCh38, 1-based): chr16:64,950,800, T>C on the plus strand (A>G on the coding strand, the complement: CDH11 is on the minus strand). VCF-style: chr16-64950800-T-C. GRCh37 (hg19) VCF-style: chr16-64984703-T-C.
Other names: c.1861A>G, p.Ile621Val (NM_001308392.2); c.1483A>G, p.Ile495Val (NM_001330576.2); short protein forms I495V, I621V.
Identifiers: ClinVar variation 3384533 (VCV003384533.1).
Genomic context (GRCh38, chr16:64,950,800, plus strand): 5'-CTGCAGGGGACCAGGAAGCGCCCTTACCCAGGAGAATGACGATGCAGGCGAGGATGGCGA[T>C]CAGGGCGCCTGTGCTCAGGCCGGCGTTCAGAATGTAGGCCTCTGCGTTGCAGGAGAGCAG-3'
Protein context (NP_001788.2, residues 611-631): LNAGLSTGAL[Ile621Val]AILACIVILL